The following is an entry in ClinVar:

ClinVar aggregate classification (germline): Uncertain significance. Review status: criteria provided, multiple submitters, no conflicts (2 of 4 stars). 2 submissions from 2 submitters: Uncertain significance (2). Last evaluated 2023-12-28.

Conditions:
Inborn genetic diseases. Identifiers: MedGen C0950123, MeSH D030342.

Allele frequency attached by ClinVar (database versions not stated): gnomAD 0.00004; ExAC 0.00015; gnomAD exomes 0.00019.

Submissions (2):

Ambry Genetics
Classification: Uncertain significance for Inborn genetic diseases. Last evaluated: 2023-12-28. Review status: criteria provided, single submitter. Criteria: Ambry Variant Classification Scheme 2023. Collection method: clinical testing. Allele origin: germline.

Labcorp Genetics (formerly Invitae), Labcorp
Classification: Uncertain significance. Last evaluated: 2022-10-24. Review status: criteria provided, single submitter. Criteria: Invitae Variant Classification Sherloc (09022015). Collection method: clinical testing. Allele origin: germline.
Comment: This sequence change replaces glycine, which is neutral and non-polar, with arginine, which is basic and polar, at codon 552 of the ADAMTSL4 protein (p.Gly552Arg). This variant is present in population databases (rs746126694, gnomAD 0.09%). This variant has not been reported in the literature in individuals affected with ADAMTSL4-related conditions. ClinVar contains an entry for this variant (Variation ID: 1394731). Algorithms developed to predict the effect of missense changes on protein structure and function (SIFT, PolyPhen-2, Align-GVGD) all suggest that this variant is likely to be disruptive. In summary, the available evidence is currently insufficient to determine the role of this variant in disease. Therefore, it has been classified as a Variant of Uncertain Significance.

NM_019032.6(ADAMTSL4):c.1654G>A (p.Gly552Arg)

Genes: ADAMTSL4 (ADAMTS like 4; plus strand), ADAMTSL4-AS2 (ADAMTSL4 antisense RNA 2; minus strand). Cytogenetic location: 1q21.2.
Variant type: single nucleotide variant.
Coding change: c.1654G>A on transcript NM_019032.6 (MANE Select); coding-DNA position 1654, G replaced by A.
Protein change: p.Gly552Arg; replaces glycine 552 with arginine.
Molecular consequence: missense variant.
Genome position (GRCh38, 1-based): chr1:150,556,698, G>A. VCF-style: chr1-150556698-G-A. GRCh37 (hg19) VCF-style: chr1-150529174-G-A.
Other names: c.1723G>A, p.Gly575Arg (NM_001288607.2, NM_001288608.2); c.1654G>A, p.Gly552Arg (NM_001378596.1, NM_025008.5); c.1654G>A (NM_019032.4); short protein forms G552R, G575R.
Identifiers: ClinVar variation 1394731 (VCV001394731.4), dbSNP rs746126694, ClinGen allele CA1078350.
Genomic context (GRCh38, chr1:150,556,698, plus strand): 5'-GGCCGGTCCATCATCAATGGGAACTGGGCTGTGGATCCCCCTGGGTCCTACAGGGCCGGC[G>A]GGACCGTCTTTCGATATAACCGTCCTCCCAGGGAGGAGGGCAAAGGGGAGAGTCTGTCGG-3'
Protein context (NP_061905.2, residues 542-562): VDPPGSYRAG[Gly552Arg]TVFRYNRPPR